The following is an entry in ClinVar:

NM_006612.6(KIF1C):c.2382C>T (p.Asp794=)

Gene: KIF1C (kinesin family member 1C; plus strand). Cytogenetic location: 17p13.2.
Variant type: single nucleotide variant.
Coding change: c.2382C>T on transcript NM_006612.6 (MANE Select); coding-DNA position 2382, C replaced by T.
Protein change: p.Asp794=; no amino-acid change (aspartic acid 794 retained).
Molecular consequence: synonymous variant.
Genome position (GRCh38, 1-based): chr17:5,022,463, C>T. VCF-style: chr17-5022463-C-T. GRCh37 (hg19) VCF-style: chr17-4925758-C-T.
Identifiers: ClinVar variation 1968202 (VCV001968202.27), dbSNP rs186917988, ClinGen allele CA8319282.

ClinVar aggregate classification (germline): Likely benign. Review status: criteria provided, multiple submitters, no conflicts (2 of 4 stars). 2 submissions from 2 submitters: Likely benign (2). Last evaluated 2026-01-01.

Conditions:
Spastic ataxia 2. Also called: Ataxia, spastic, 2, autosomal recessive. Identifiers: Orphanet 397946, MedGen C1969796, MONDO:0012651, OMIM 611302.

Allele frequency attached by ClinVar (database versions not stated): gnomAD exomes 0.00002; TOPMed 0.00008; gnomAD 0.00009; 1000 Genomes Project 30x 0.00016; ExAC 0.00016; 1000 Genomes Project 0.00020.
gnomAD v4.1: 45 of 1,585,560 alleles (0.0028%); highest among the groups gnomAD compares: East Asian, 0.046%; 1 homozygote.

Submissions (2):

CeGaT Center for Human Genetics Tuebingen
Classification: Likely benign. Last evaluated: 2026-01-01. Review status: criteria provided, single submitter. Criteria: CeGaT Center For Human Genetics Tuebingen Variant Classification Criteria Version 2. Collection method: clinical testing. Allele origin: germline. Affected: yes. Observed: 3 variant alleles.
Comment: KIF1C: BP4, BP7

Labcorp Genetics (formerly Invitae), Labcorp
Classification: Likely benign for Spastic ataxia 2. Last evaluated: 2024-06-22. Review status: criteria provided, single submitter. Criteria: Invitae Variant Classification Sherloc (09022015). Collection method: clinical testing. Allele origin: germline.